The following is an entry in ClinVar:

NM_002474.3(MYH11):c.5107C>G (p.Arg1703Gly)

Genes: MYH11 (myosin heavy chain 11; minus strand), NDE1 (nudE neurodevelopment protein 1; plus strand). Cytogenetic location: 16p13.11.
Variant type: single nucleotide variant.
Coding change: c.5107C>G on transcript NM_002474.3 (MANE Select); coding-DNA position 5107, C replaced by G.
Protein change: p.Arg1703Gly; replaces arginine 1703 with glycine.
Molecular consequence: missense variant. On other transcripts: intron variant (2).
Genome position (GRCh38, 1-based): chr16:15,719,284, G>C on the plus strand (C>G on the coding strand, the complement: MYH11 is on the minus strand). VCF-style: chr16-15719284-G-C. GRCh37 (hg19) VCF-style: chr16-15813141-G-C.
Other names: c.5107C>G, p.Arg1703Gly (NM_022844.3); c.948-4907G>C (NM_001143979.2, NM_017668.3); c.5128C>G, p.Arg1710Gly (NM_001040113.2, NM_001040114.2); short protein forms R1703G, R1710G.
Identifiers: ClinVar variation 3297373 (VCV003297373.2).
Genomic context (GRCh38, chr16:15,719,284, plus strand): 5'-CCGACAGGCTACTGGCCAGCTCCTCTGCCAGTTCCTCCTTCTCGAGGTCCGCTTGTTTGC[G>C]AGCCCTCTCAGCGGCGGCGAGGTCCTAGGTGGGAGGGAGGAAGGCTGTTGTCTGCCAGGG-3'
Protein context (NP_002465.1, residues 1693-1713): QEDLAAAERA[Arg1703Gly]KQADLEKEEL

ClinVar aggregate classification (germline): Uncertain significance. Review status: criteria provided, multiple submitters, no conflicts (2 of 4 stars). 2 submissions from 2 submitters: Uncertain significance (2). Last evaluated 2024-06-24.

Conditions:
Familial thoracic aortic aneurysm and aortic dissection (TAAD). Also called: Thoracic aortic aneurysms and dissections. Identifiers: Orphanet 91387, MedGen C4707243, MONDO:0019625.

gnomAD v4.1: 5 of 1,612,418 alleles (0.00031%); highest among the groups gnomAD compares: East Asian, 0.011%; no homozygotes.

Submissions (2):

Color Diagnostics, LLC DBA Color Health
Classification: Uncertain significance for Familial thoracic aortic aneurysm and aortic dissection. Last evaluated: 2024-06-24. Review status: criteria provided, single submitter. Criteria: ACMG Guidelines, 2015. Collection method: clinical testing. Allele origin: germline.
Comment: This missense variant replaces arginine with glycine at codon 1710 of the MYH11 protein. Computational prediction is inconclusive regarding the impact of this variant on protein structure and function (internally defined REVEL score threshold 0.5 < inconclusive < 0.7, PMID: 27666373). To our knowledge, functional studies have not been reported for this variant. This variant has not been reported in individuals affected with MYH11-related disorders in the literature. This variant has been identified in 2/281722 chromosomes in the general population by the Genome Aggregation Database (gnomAD). The available evidence is insufficient to determine the role of this variant in disease conclusively. Therefore, this variant is classified as a Variant of Uncertain Significance.

Ambry Genetics
Classification: Uncertain significance for Familial thoracic aortic aneurysm and aortic dissection. Last evaluated: 2024-03-20. Review status: criteria provided, single submitter. Criteria: Ambry Variant Classification Scheme 2023. Collection method: clinical testing. Allele origin: germline.